The following is an entry in ClinVar:

ClinVar aggregate classification (germline): Uncertain significance. Review status: criteria provided, multiple submitters, no conflicts (2 of 4 stars). 2 submissions from 2 submitters: Uncertain significance (2). Last evaluated 2024-08-14.

Conditions:
Inborn genetic diseases. Identifiers: MedGen C0950123, MeSH D030342.

Allele frequency attached by ClinVar (database versions not stated): ESP Exome Variant Server 0.00008.

Submissions (2):

Ambry Genetics
Classification: Uncertain significance for Inborn genetic diseases. Last evaluated: 2024-08-14. Review status: criteria provided, single submitter. Criteria: Ambry Variant Classification Scheme 2023. Collection method: clinical testing. Allele origin: germline.

Labcorp Genetics (formerly Invitae), Labcorp
Classification: Uncertain significance. Last evaluated: 2022-06-23. Review status: criteria provided, single submitter. Criteria: Invitae Variant Classification Sherloc (09022015). Collection method: clinical testing. Allele origin: germline.
Comment: This sequence change replaces arginine, which is basic and polar, with proline, which is neutral and non-polar, at codon 133 of the EXOSC9 protein (p.Arg133Pro). This variant is present in population databases (rs201693852, gnomAD 0.005%). This variant has not been reported in the literature in individuals affected with EXOSC9-related conditions. Algorithms developed to predict the effect of missense changes on protein structure and function (SIFT, PolyPhen-2, Align-GVGD) all suggest that this variant is likely to be disruptive. In summary, the available evidence is currently insufficient to determine the role of this variant in disease. Therefore, it has been classified as a Variant of Uncertain Significance.

NM_005033.3(EXOSC9):c.398G>C (p.Arg133Pro)

Gene: EXOSC9 (exosome component 9; plus strand). Cytogenetic location: 4q27.
Variant type: single nucleotide variant.
Coding change: c.398G>C on transcript NM_005033.3 (MANE Select); coding-DNA position 398, G replaced by C.
Protein change: p.Arg133Pro; replaces arginine 133 with proline.
Molecular consequence: missense variant.
Genome position (GRCh38, 1-based): chr4:121,804,635, G>C. VCF-style: chr4-121804635-G-C. GRCh37 (hg19) VCF-style: chr4-122725790-G-C.
Other names: c.398G>C, p.Arg133Pro (NM_001034194.2); c.398G>C (NM_001034194.1); short protein forms R133P.
Identifiers: ClinVar variation 1423713 (VCV001423713.6), dbSNP rs201693852, ClinGen allele CA3063396.